The following is an entry in ClinVar:

NM_001374736.1(DST):c.950G>A (p.Arg317His)

Gene: DST (dystonin; minus strand). Cytogenetic location: 6p12.1.
Variant type: single nucleotide variant.
Coding change: c.950G>A on transcript NM_001374736.1 (MANE Select); coding-DNA position 950, G replaced by A.
Protein change: p.Arg317His; replaces arginine 317 with histidine.
Molecular consequence: missense variant.
Genome position (GRCh38, 1-based): chr6:56,701,892, C>T on the plus strand (G>A on the coding strand, the complement: DST is on the minus strand). VCF-style: chr6-56701892-C-T. GRCh37 (hg19) VCF-style: chr6-56566690-C-T.
Other names: c.851G>A, p.Arg284His (NM_001144769.5); c.437G>A, p.Arg146His (NM_001144770.2); c.950G>A, p.Arg317His (NM_001374722.1); c.317G>A, p.Arg106His (NM_001374729.1, NM_001374730.1, NM_001386100.1 and 1 more transcripts); c.977G>A, p.Arg326His (NM_001374734.1); short protein forms R106H, R284H, R146H, R317H, R326H.
Identifiers: ClinVar variation 1763716 (VCV001763716.2), dbSNP rs780894269, ClinGen allele CA3871823.
Genomic context (GRCh38, chr6:56,701,892, plus strand): 5'-GTGGATGTATTAGTAACATATATTTATATGATTACAGTATTTTCAAAACATCATACCTGG[C>T]GTCTTTTCAAATAGTCAAGTGCAATTTGTACATTCTGTAGTCTGTGAAAACGCATCCGAC-3'
Protein context (NP_001361665.1, residues 307-327): VQIALDYLKR[Arg317His]QVKLVNIRND

ClinVar aggregate classification (germline): Uncertain significance (1 of 4 stars; one submission).

Conditions:
Inborn genetic diseases. Identifiers: MedGen C0950123, MeSH D030342.

Allele frequency attached by ClinVar (database versions not stated): gnomAD 0.00001; TOPMed 0.00002; ExAC 0.00003.
gnomAD v4.1: 48 of 1,592,410 alleles (0.003%); highest among the groups gnomAD compares: Non-Finnish European, 0.0041%; no homozygotes.

Submission:

Ambry Genetics
Classification: Uncertain significance for Inborn genetic diseases. Last evaluated: 2019-10-17. Review status: criteria provided, single submitter. Criteria: Ambry Variant Classification Scheme 2023. Collection method: clinical testing. Allele origin: germline.
Comment: The p.R284H variant (also known as c.851G>A), located in coding exon 7 of the DST gene, results from a G to A substitution at nucleotide position 851. The arginine at codon 284 is replaced by histidine, an amino acid with highly similar properties. This amino acid position is well conserved in available vertebrate species. In addition, the in silico prediction for this alteration is inconclusive. Since supporting evidence is limited at this time, the clinical significance of this alteration remains unclear.